The following is an entry in ClinVar:

NM_153700.2(STRC):c.4562G>A (p.Arg1521Gln)

Gene: STRC (stereocilin; minus strand). Cytogenetic location: 15q15.3.
Variant type: single nucleotide variant.
Coding change: c.4562G>A on transcript NM_153700.2 (MANE Select); coding-DNA position 4562, G replaced by A.
Protein change: p.Arg1521Gln; replaces arginine 1521 with glutamine.
Molecular consequence: missense variant.
Genome position (GRCh38, 1-based): chr15:43,601,535, C>T on the plus strand (G>A on the coding strand, the complement: STRC is on the minus strand). VCF-style: chr15-43601535-C-T. GRCh37 (hg19) VCF-style: chr15-43893733-C-T.
Other names: short protein forms R1521Q.
Identifiers: ClinVar variation 165304 (VCV000165304.9), dbSNP rs74643365, ClinGen allele CA178041.

ClinVar aggregate classification (germline): Benign/Likely benign. Review status: criteria provided, multiple submitters, no conflicts (2 of 4 stars). 4 submissions from 4 submitters: Benign (3); Likely benign (1). Last evaluated 2024-11-27.

Allele frequency attached by ClinVar (database versions not stated): 1000 Genomes Project 0.01817; 1000 Genomes Project 30x 0.01936; TOPMed 0.03650; gnomAD 0.04085 and 0.04188; ESP Exome Variant Server 0.04379; gnomAD exomes 0.04594; ExAC 0.04667.
gnomAD v4.1: 85,685 of 1,613,514 alleles (5.3%); highest among the groups gnomAD compares: Middle Eastern, 9.5%; 3,329 homozygotes.

Submissions (19):

Blueprint Genetics
Classification: Likely benign. Last evaluated: 2024-11-27. Review status: criteria provided, single submitter. Criteria: ACMG Guidelines, 2015. Collection method: clinical testing. Allele origin: germline.

Mayo Clinic Laboratories, Mayo Clinic
Classification: Benign. Last evaluated: 2021-07-30. Review status: criteria provided, single submitter. Criteria: ACMG Guidelines, 2015. Collection method: clinical testing. Allele origin: germline. Observed: 12 variant alleles.

Laboratory for Molecular Medicine, Mass General Brigham Personalized Medicine
Classification: Benign. Last evaluated: 2012-05-07. Review status: criteria provided, single submitter. Criteria: LMM Criteria. Collection method: clinical testing. Allele origin: germline. Observed: 142 variant alleles.
Comment: Arg1521Gln in Exon 24 of STRC: This variant is not expected to have clinical sig nificance because it has been identified in 6.0% (422/7018) of European American chromosomes from a broad population by the NHLBI Exome Sequencing Project (dbSNP rs74643365).

Breakthrough Genomics
Classification: Benign. Review status: criteria provided, single submitter. Criteria: ACMG Guidelines, 2015. Collection method: not provided. Allele origin: germline. Inheritance: Autosomal recessive inheritance. Affected: yes.

Dr. Peter K. Rogan Lab, Western University
No classification provided (evidence only). Condition: Acute myeloid leukemia. Review status: no classification provided. Collection method: in vitro. Allele origin: not applicable. Functional consequence: retained intron. Not counted in ClinVar's aggregate classification.

Dr. Peter K. Rogan Lab, Western University
No classification provided (evidence only). Condition: Acute myeloid leukemia. Review status: no classification provided. Collection method: in vitro. Allele origin: not applicable. Functional consequence: retained intron. Not counted in ClinVar's aggregate classification.

Dr. Peter K. Rogan Lab, Western University
No classification provided (evidence only). Condition: Acute myeloid leukemia. Review status: no classification provided. Collection method: in vitro. Allele origin: not applicable. Functional consequence: retained intron. Not counted in ClinVar's aggregate classification.

Dr. Peter K. Rogan Lab, Western University
No classification provided (evidence only). Condition: Colorectal cancer. Review status: no classification provided. Collection method: in vitro. Allele origin: not applicable. Functional consequence: retained intron. Not counted in ClinVar's aggregate classification.

Dr. Peter K. Rogan Lab, Western University
No classification provided (evidence only). Condition: Colorectal cancer. Review status: no classification provided. Collection method: in vitro. Allele origin: not applicable. Functional consequence: retained intron. Not counted in ClinVar's aggregate classification.

Dr. Peter K. Rogan Lab, Western University
No classification provided (evidence only). Condition: Colorectal cancer. Review status: no classification provided. Collection method: in vitro. Allele origin: not applicable. Functional consequence: retained intron. Not counted in ClinVar's aggregate classification.

Dr. Peter K. Rogan Lab, Western University
No classification provided (evidence only). Condition: Colorectal cancer. Review status: no classification provided. Collection method: in vitro. Allele origin: not applicable. Functional consequence: retained intron. Not counted in ClinVar's aggregate classification.

Dr. Peter K. Rogan Lab, Western University
No classification provided (evidence only). Condition: Colorectal cancer. Review status: no classification provided. Collection method: in vitro. Allele origin: not applicable. Functional consequence: retained intron. Not counted in ClinVar's aggregate classification.

Dr. Peter K. Rogan Lab, Western University
No classification provided (evidence only). Condition: Uterine corpus endometrial carcinoma. Review status: no classification provided. Collection method: in vitro. Allele origin: not applicable. Functional consequence: retained intron. Not counted in ClinVar's aggregate classification.

Dr. Peter K. Rogan Lab, Western University
No classification provided (evidence only). Condition: Uterine corpus endometrial carcinoma. Review status: no classification provided. Collection method: in vitro. Allele origin: not applicable. Functional consequence: retained intron. Not counted in ClinVar's aggregate classification.

Dr. Peter K. Rogan Lab, Western University
No classification provided (evidence only). Condition: Thymoma. Review status: no classification provided. Collection method: in vitro. Allele origin: not applicable. Functional consequence: retained intron. Not counted in ClinVar's aggregate classification.

Dr. Peter K. Rogan Lab, Western University
No classification provided (evidence only). Condition: Thymoma. Review status: no classification provided. Collection method: in vitro. Allele origin: not applicable. Functional consequence: retained intron. Not counted in ClinVar's aggregate classification.

Dr. Peter K. Rogan Lab, Western University
No classification provided (evidence only). Condition: Malignant tumor of esophagus. Review status: no classification provided. Collection method: in vitro. Allele origin: not applicable. Functional consequence: retained intron. Not counted in ClinVar's aggregate classification.

Dr. Peter K. Rogan Lab, Western University
No classification provided (evidence only). Condition: Malignant tumor of esophagus. Review status: no classification provided. Collection method: in vitro. Allele origin: not applicable. Functional consequence: retained intron. Not counted in ClinVar's aggregate classification.

Dr. Peter K. Rogan Lab, Western University
No classification provided (evidence only). Condition: Malignant tumor of esophagus. Review status: no classification provided. Collection method: in vitro. Allele origin: not applicable. Functional consequence: retained intron. Not counted in ClinVar's aggregate classification.